The following is an entry in ClinVar:

ClinVar aggregate classification (germline): Uncertain significance. Review status: criteria provided, multiple submitters, no conflicts (2 of 4 stars). 2 submissions from 2 submitters: Uncertain significance (2). Last evaluated 2021-10-14.

Submissions (2):

Labcorp Genetics (formerly Invitae), Labcorp
Classification: Uncertain significance. Last evaluated: 2021-10-14. Review status: criteria provided, single submitter. Criteria: Invitae Variant Classification Sherloc (09022015). Collection method: clinical testing. Allele origin: germline.
Comment: This variant, c.2247_2248delinsGG, is a complex sequence change that results in the deletion of 2 and insertion of 2 amino acid(s) in the LTBP4 protein (p.Asn749_Thr750delinsLysAla). The frequency data for this variant in the population databases is not available, as this variant may be reported as separate entries in the ExAC database. This variant has not been reported in the literature in individuals affected with LTBP4-related conditions. ClinVar contains an entry for this variant (Variation ID: 504144). Experimental studies and prediction algorithms are not available or were not evaluated, and the functional significance of this variant is currently unknown. In summary, the available evidence is currently insufficient to determine the role of this variant in disease. Therefore, it has been classified as a Variant of Uncertain Significance.

GeneDx
Classification: Uncertain significance. Last evaluated: 2018-01-23. Review status: criteria provided, single submitter. Criteria: GeneDx Variant Classification (06012015). Collection method: clinical testing. Allele origin: germline. Affected: yes.
Comment: A variant of uncertain significance has been identified in the LTBP4 gene. The c.2247_2248delCAinsGG variant has not been published as pathogenic or been reported as benign to our knowledge. This variant results in the in-frame substitution of two amino acids (Asparagine and Threonine) with two other amino acids (Lysine and Alanine) at positions 749 and 750, denoted N749_T750delinsKA. The c.2247_2248delCAinsGG variant is not observed in large population cohorts. However, in-silico analyses, including protein predictors and evolutionary conservation, support that this variant does not alter protein structure/function.

NM_001042545.2(LTBP4):c.2157_2158delinsGG (p.Asn719_Thr720delinsLysAla)

Gene: LTBP4 (latent transforming growth factor beta binding protein 4; plus strand). Cytogenetic location: 19q13.2.
Variant type: Indel.
Coding change: c.2157_2158delinsGG on transcript NM_001042545.2 (MANE Select); coding-DNA positions 2157 to 2158, CA replaced by GG.
Protein change: p.Asn719_Thr720delinsLysAla.
Molecular consequence: missense variant.
Genome position (GRCh38, 1-based): chr19:40,611,962-40,611,963, CA replaced by GG. VCF-style: chr19-40611962-CA-GG. GRCh37 (hg19) VCF-style: chr19-41117868-CA-GG.
Other names: c.2358_2359delinsGG, p.Asn786_Thr787delinsLysAla (NM_001042544.1); c.2247_2248delinsGG, p.Asn749_Thr750delinsLysAla (NM_003573.2); c.2247_2248delCAinsGG (NM_003573.2).
Identifiers: ClinVar variation 504144 (VCV000504144.7), dbSNP rs1555735451, ClinGen allele CA658799224.
Genomic context (GRCh38, chr19:40,611,962, plus strand): 5'-CCGGTGTGAGAACACAGAAGGCAGCTTCCAGTGTGTCTGCCCCATGGGCTTCCAACCCAA[CA>GG]CTGCTGGCTCCGAGTGCGAGGGTGAGGCCGGGGAGGGAGGGAGGAGTGTGGATGGGTGAG-3'